The following is an entry in ClinVar:

NM_015295.3(SMCHD1):c.4547A>T (p.Asp1516Val)

Gene: SMCHD1 (structural maintenance of chromosomes flexible hinge domain containing 1; plus strand). Cytogenetic location: 18p11.32.
Variant type: single nucleotide variant.
Coding change: c.4547A>T on transcript NM_015295.3 (MANE Select); coding-DNA position 4547, A replaced by T.
Protein change: p.Asp1516Val; replaces aspartic acid 1516 with valine.
Molecular consequence: missense variant.
Genome position (GRCh38, 1-based): chr18:2,762,217, A>T. VCF-style: chr18-2762217-A-T. GRCh37 (hg19) VCF-style: chr18-2762215-A-T.
Other names: short protein forms D1516V.
Identifiers: ClinVar variation 1995233 (VCV001995233.4), dbSNP rs1389065035, ClinGen allele CA401695571.
Genomic context (GRCh38, chr18:2,762,217, plus strand): 5'-AACCACCTACACCAGCTGTTTCAAATGTTCGCTCAGTTGCCAGTAGGACCTTGGTCAGAG[A>T]TCTACATCTTAGTATCACGGTAATGTTTATTTTCTTCCAAAACTGCGAAGGGTAACAAGA-3'
Protein context (NP_056110.2, residues 1506-1526): RSVASRTLVR[Asp1516Val]LHLSITDDYD

ClinVar aggregate classification (germline): Uncertain significance (1 of 4 stars; one submission).

Conditions:
Facioscapulohumeral muscular dystrophy 2 (FSHD2). Also called: MUSCULAR DYSTROPHY, FACIOSCAPULOHUMERAL, TYPE 1B; FACIOSCAPULOHUMERAL MUSCULAR DYSTROPHY 2, DIGENIC; FSHD2, DIGENIC. Identifiers: Orphanet 269, MedGen C1834671, MONDO:0008031, OMIM 158901.

Allele frequency attached by ClinVar (database versions not stated): gnomAD exomes below 0.00001.
gnomAD v4.1: 2 of 1,613,696 alleles (0.00012%); highest among the groups gnomAD compares: Admixed American, 0.0017%; no homozygotes.

Submission:

Labcorp Genetics (formerly Invitae), Labcorp
Classification: Uncertain significance for Facioscapulohumeral muscular dystrophy 2. Last evaluated: 2025-10-01. Review status: criteria provided, single submitter. Criteria: Invitae Variant Classification Sherloc (09022015). Collection method: clinical testing. Allele origin: germline.
Comment: This sequence change replaces aspartic acid, which is acidic and polar, with valine, which is neutral and non-polar, at codon 1516 of the SMCHD1 protein (p.Asp1516Val). This variant is present in population databases (no rsID available, gnomAD 0.003%). This variant has not been reported in the literature in individuals affected with SMCHD1-related conditions. ClinVar contains an entry for this variant (Variation ID: 1995233). Invitae Evidence Modeling of protein sequence and biophysical properties (such as structural, functional, and spatial information, amino acid conservation, physicochemical variation, residue mobility, and thermodynamic stability) indicates that this missense variant is not expected to disrupt SMCHD1 protein function with a negative predictive value of 80%. In summary, the available evidence is currently insufficient to determine the role of this variant in disease. Therefore, it has been classified as a Variant of Uncertain Significance.